The following is an entry in ClinVar:

ClinVar aggregate classification (germline): Uncertain significance (1 of 4 stars; one submission).

Allele frequency attached by ClinVar (database versions not stated): gnomAD 0.00001; ExAC 0.00178.
gnomAD v4.1: 122 of 1,463,290 alleles (0.0083%); highest among the groups gnomAD compares: South Asian, 0.15%; 1 homozygote.

Submission:

Labcorp Genetics (formerly Invitae), Labcorp
Classification: Uncertain significance. Last evaluated: 2022-10-13. Review status: criteria provided, single submitter. Criteria: Invitae Variant Classification Sherloc (09022015). Collection method: clinical testing. Allele origin: germline.
Comment: This sequence change replaces glycine, which is neutral and non-polar, with valine, which is neutral and non-polar, at codon 21 of the HACD1 protein (p.Gly21Val). This variant is present in population databases (rs782631658, gnomAD 0.2%). This variant has not been reported in the literature in individuals affected with HACD1-related conditions. Algorithms developed to predict the effect of missense changes on protein structure and function are either unavailable or do not agree on the potential impact of this missense change (SIFT: "Deleterious"; PolyPhen-2: "Probably Damaging"; Align-GVGD: "Class C0"). In summary, the available evidence is currently insufficient to determine the role of this variant in disease. Therefore, it has been classified as a Variant of Uncertain Significance.

NM_014241.4(HACD1):c.62G>T (p.Gly21Val)

Genes: HACD1 (3-hydroxyacyl-CoA dehydratase 1; minus strand), LOC130003454 (ATAC-STARR-seq lymphoblastoid silent region 2183; plus strand). Cytogenetic location: 10p12.33.
Variant type: single nucleotide variant.
Coding change: c.62G>T on transcript NM_014241.4 (MANE Select); coding-DNA position 62, G replaced by T.
Protein change: p.Gly21Val; replaces glycine 21 with valine.
Molecular consequence: missense variant.
Genome position (GRCh38, 1-based): chr10:17,617,278, C>A on the plus strand (G>T on the coding strand, the complement: HACD1 is on the minus strand). VCF-style: chr10-17617278-C-A. GRCh37 (hg19) VCF-style: chr10-17659277-C-A.
Other names: short protein forms G21V.
Identifiers: ClinVar variation 2180162 (VCV002180162.1), dbSNP rs782631658, ClinGen allele CA5427423.